The following is an entry in ClinVar:

NM_001374353.1(GLI2):c.225C>T (p.Tyr75=)

Gene: GLI2 (GLI family zinc finger 2; plus strand). Cytogenetic location: 2q14.2.
Variant type: single nucleotide variant.
Coding change: c.225C>T on transcript NM_001374353.1 (MANE Select); coding-DNA position 225, C replaced by T.
Protein change: p.Tyr75=; no amino-acid change (tyrosine 75 retained).
Molecular consequence: synonymous variant. On other transcripts: intron variant (1).
Genome position (GRCh38, 1-based): chr2:120,927,437, C>T. VCF-style: chr2-120927437-C-T. GRCh37 (hg19) VCF-style: chr2-121685013-C-T.
Other names: c.225C>T, p.Tyr75= (NM_001371271.1, NM_005270.5); c.-121-23806C>T (NM_001374354.1).
Identifiers: ClinVar variation 3029259 (VCV003029259.3), dbSNP rs751570899, ClinGen allele CA1851456.
Genomic context (GRCh38, chr2:120,927,437, plus strand): 5'-GCCACCATTCCATGCGCCCCTACCGATTGACATGCGACACCAGGAAGGAAGGTACCATTA[C>T]GAGCCTCATTCTGTCCACGGTGTGCACGGGTAAGTCCTGCCCTCTGCCTGCTGCTCCTGG-3'
Protein context (NP_001361282.1, residues 65-85): DMRHQEGRYH[Tyr75=]EPHSVHGVHG

ClinVar aggregate classification (germline): Likely benign. Review status: criteria provided, single submitter (1 of 4 stars). 2 submissions from 2 submitters: Likely benign (1). 1 of the submissions does not count toward it. Last evaluated 2021-12-07.

Conditions:
GLI2-related disorder. Also called: GLI2-related condition; GLI2-related disorders.

Allele frequency attached by ClinVar (database versions not stated): ExAC 0.00001; gnomAD 0.00001; TOPMed 0.00001.
gnomAD v4.1: 21 of 1,613,400 alleles (0.0013%); highest among the groups gnomAD compares: Admixed American, 0.0033%; no homozygotes.

Submissions (2):

Blueprint Genetics
Classification: Likely benign. Last evaluated: 2021-12-07. Review status: criteria provided, single submitter. Criteria: ACMG Guidelines, 2015. Collection method: clinical testing. Allele origin: germline.

PreventionGenetics, part of Exact Sciences
Classification: Likely benign for GLI2-related condition. Last evaluated: 2022-12-14. Review status: no assertion criteria provided. Collection method: clinical testing. Allele origin: germline. Not counted in ClinVar's aggregate classification.
Comment: This variant is classified as likely benign based on ACMG/AMP sequence variant interpretation guidelines (Richards et al. 2015 PMID: 25741868, with internal and published modifications).